The following is an entry in ClinVar:

ClinVar aggregate classification (germline): Uncertain significance. Review status: criteria provided, multiple submitters, no conflicts (2 of 4 stars). 3 submissions from 3 submitters: Uncertain significance (3). Last evaluated 2025-09-24.

Conditions:
Inborn genetic diseases. Identifiers: MedGen C0950123, MeSH D030342.

Allele frequency attached by ClinVar (database versions not stated): gnomAD exomes 0.00002 and 0.00009; gnomAD 0.00003 and 0.00004; TOPMed 0.00006; ExAC 0.00008; 1000 Genomes Project 30x 0.00016; 1000 Genomes Project 0.00020.
gnomAD v4.1: 35 of 1,608,682 alleles (0.0022%); highest among the groups gnomAD compares: East Asian, 0.074%; no homozygotes.

Submissions (3):

Labcorp Genetics (formerly Invitae), Labcorp
Classification: Uncertain significance. Last evaluated: 2025-09-24. Review status: criteria provided, single submitter. Criteria: Invitae Variant Classification Sherloc (09022015). Collection method: clinical testing. Allele origin: germline.
Comment: This sequence change replaces proline, which is neutral and non-polar, with serine, which is neutral and polar, at codon 430 of the GPAA1 protein (p.Pro430Ser). This variant is present in population databases (rs552282153, gnomAD 0.1%). This variant has not been reported in the literature in individuals affected with GPAA1-related conditions. ClinVar contains an entry for this variant (Variation ID: 1466984). Invitae Evidence Modeling of protein sequence and biophysical properties (such as structural, functional, and spatial information, amino acid conservation, physicochemical variation, residue mobility, and thermodynamic stability) indicates that this missense variant is not expected to disrupt GPAA1 protein function with a negative predictive value of 80%. In summary, the available evidence is currently insufficient to determine the role of this variant in disease. Therefore, it has been classified as a Variant of Uncertain Significance.

Blueprint Genetics
Classification: Uncertain significance. Last evaluated: 2024-06-19. Review status: criteria provided, single submitter. Criteria: ACMG Guidelines, 2015. Collection method: clinical testing. Allele origin: germline.

Ambry Genetics
Classification: Uncertain significance for Inborn genetic diseases. Last evaluated: 2023-12-27. Review status: criteria provided, single submitter. Criteria: Ambry Variant Classification Scheme 2023. Collection method: clinical testing. Allele origin: germline.

NM_003801.4(GPAA1):c.1288C>T (p.Pro430Ser)

Gene: GPAA1 (glycosylphosphatidylinositol anchor attachment 1; plus strand). Cytogenetic location: 8q24.3.
Variant type: single nucleotide variant.
Coding change: c.1288C>T on transcript NM_003801.4 (MANE Select); coding-DNA position 1288, C replaced by T.
Protein change: p.Pro430Ser; replaces proline 430 with serine.
Molecular consequence: missense variant.
Genome position (GRCh38, 1-based): chr8:144,085,316, C>T. VCF-style: chr8-144085316-C-T. GRCh37 (hg19) VCF-style: chr8-145140219-C-T.
Other names: c.1288C>T (NM_003801.3); short protein forms P430S.
Identifiers: ClinVar variation 1466984 (VCV001466984.6), dbSNP rs552282153, ClinGen allele CA4933134.